The following is an entry in ClinVar:

NM_172107.4(KCNQ2):c.587C>T (p.Ala196Val)

Gene: KCNQ2 (potassium voltage-gated channel subfamily Q member 2; minus strand). Cytogenetic location: 20q13.33.
Variant type: single nucleotide variant.
Coding change: c.587C>T on transcript NM_172107.4 (MANE Select); coding-DNA position 587, C replaced by T.
Protein change: p.Ala196Val; replaces alanine 196 with valine.
Molecular consequence: missense variant.
Genome position (GRCh38, 1-based): chr20:63,444,762, G>A on the plus strand (C>T on the coding strand, the complement: KCNQ2 is on the minus strand). VCF-style: chr20-63444762-G-A. GRCh37 (hg19) VCF-style: chr20-62076115-G-A.
Other names: c.587C>T, p.Ala196Val (NM_004518.6, NM_172106.3, NM_172108.5 and 1 more transcripts); short protein forms A196V.
Identifiers: ClinVar variation 21792 (VCV000021792.67), dbSNP rs118192199, ClinGen allele CA342514.

ClinVar aggregate classification (germline): Pathogenic. Review status: criteria provided, multiple submitters, no conflicts (2 of 4 stars). 13 submissions from 13 submitters: Pathogenic (10). 3 of the submissions do not count toward it. Last evaluated 2025-05-07.

Conditions:
Early-infantile DEE. Also called: Ohtahara syndrome; Early infantile epileptic encephalopathy; Early infantile epileptic encephalopathy with suppression bursts. Identifiers: Orphanet 1934, MedGen C0393706, MONDO:0800491.
KCNQ2-Related Disorders. Also called: KCNQ2-related condition; KCNQ2-related disorder. Identifiers: MedGen CN169299.
Developmental and epileptic encephalopathy, 7 (DEE7). Also called: Early infantile epileptic encephalopathy 7; KCNQ2-Related Neonatal-Onset Developmental and Epileptic Encephalopathy (NEO-DEE); KCNQ2-Related Neonatal Epileptic Encephalopathy. Identifiers: Orphanet 439218, MedGen C3150986, MONDO:0013387, OMIM 613720.
Seizures, benign familial neonatal, 1. Also called: Benign Neonatal Epilepsy 1; KCNQ2-Related Self-Limited Familial Neonatal Epilepsy (SLFNE); KCNQ2-Related Benign Familial Neonatal Epilepsy; Seizures, benign neonatal, 1. Identifiers: Orphanet 1949, MedGen C3149074, MONDO:0007365, OMIM 121200.

Submissions (19):

3billion
Classification: Pathogenic for KCNQ2-related disorder. Last evaluated: 2025-05-07. Review status: criteria provided, single submitter. Criteria: ACMG Guidelines, 2015. Collection method: clinical testing. Allele origin: germline. Affected: yes.
Comment: The variant is not observed in the gnomAD v4.1.0 dataset. Predicted Consequence/Location: The variant is located in a mutational hot spot and/or well-established functional domain in which established pathogenic variants have been reported. In silico tool predictions suggest damaging effect of the variant on gene or gene product [REVEL: 0.88 (>=0.6, sensitivity 0.68 and specificity 0.92); 3Cnet: 0.99 (> 0.75, sensitivity 0.96 and precision 0.92)]. The same nucleotide change resulting in the same amino acid change has been previously reported as pathogenic/likely pathogenic with strong evidence (ClinVar ID: VCV000021792 /PMID: 17475800). The variant has been previously reported as de novo in at least two similarly affected unrelated individuals (PMID: 32411386, 34489640). Therefore, this variant is classified as Pathogenic according to the recommendation of ACMG/AMP guideline.

Labcorp Genetics (formerly Invitae), Labcorp
Classification: Pathogenic for Early-infantile DEE. Last evaluated: 2024-11-13. Review status: criteria provided, single submitter. Criteria: Invitae Variant Classification Sherloc (09022015). Collection method: clinical testing. Allele origin: germline.
Comment: This sequence change replaces alanine, which is neutral and non-polar, with valine, which is neutral and non-polar, at codon 196 of the KCNQ2 protein (p.Ala196Val). This variant is not present in population databases (gnomAD no frequency). This missense change has been observed in individual(s) with benign familial neonatal seizures and early onset epileptic encephalopathy (PMID: 17475800, 23360469, 23708187). In at least one individual the variant was observed to be de novo. It has also been observed to segregate with disease in related individuals. ClinVar contains an entry for this variant (Variation ID: 21792). Invitae Evidence Modeling of protein sequence and biophysical properties (such as structural, functional, and spatial information, amino acid conservation, physicochemical variation, residue mobility, and thermodynamic stability) indicates that this missense variant is expected to disrupt KCNQ2 protein function with a positive predictive value of 95%. Experimental studies have shown that this missense change affects KCNQ2 function (PMID: 17475800). For these reasons, this variant has been classified as Pathogenic.

GeneDx
Classification: Pathogenic. Last evaluated: 2023-06-27. Review status: criteria provided, single submitter. Criteria: GeneDx Variant Classification Process June 2021. Collection method: clinical testing. Allele origin: germline. Affected: yes.
Comment: In silico analysis supports that this missense variant has a deleterious effect on protein structure/function; Published functional studies demonstrate a damaging effect on channel function (Soldovieri et al., 2007); Missense variants in this gene are often considered pathogenic (HGMD); Not observed at significant frequency in large population cohorts (gnomAD); This variant is associated with the following publications: (PMID: 25880994, 24375629, 11690625, 32411386, 34489640, 23360469, 23708187, 16686649, 28717674, 27888506, 17475800)

PreventionGenetics, part of Exact Sciences
Classification: Pathogenic for KCNQ2-related condition. Last evaluated: 2023-01-22. Review status: criteria provided, single submitter. Criteria: ACMG Guidelines, 2015. Collection method: clinical testing. Allele origin: germline.
Comment: The KCNQ2 c.587C>T variant is predicted to result in the amino acid substitution p.Ala196Val. This variant has been reported in multiple individuals with KCNQ2 related disorders (Zara et al. 2013. PubMed ID: 23360469; Carvill et al. 2013. PubMed ID: 23708187; Bennett et al. 2017. PubMed ID: 28717674). It has been documented as a de novo finding, and functional studies support its pathogenicity (Soldovieri et al. 2007. PubMed ID: 17475800; Wang et al. 2020. PubMed ID: 32411386; Jiang et al. 2021. PubMed ID: 34489640). This variant has not been reported in a large population database, indicating this variant is rare. This variant is interpreted as pathogenic.

Mayo Clinic Laboratories, Mayo Clinic
Classification: Pathogenic. Last evaluated: 2022-03-08. Review status: criteria provided, single submitter. Criteria: ACMG Guidelines, 2015. Collection method: clinical testing. Allele origin: germline. Observed: 1 variant allele.
Comment: PP1, PP3, PM2, PM6, PS3, PS4_moderate

Institute of Medical Genetics and Applied Genomics, University Hospital Tübingen
Classification: Pathogenic for Developmental and epileptic encephalopathy, 7. Last evaluated: 2021-09-16. Review status: criteria provided, single submitter. Criteria: ACMG Guidelines, 2015. Collection method: clinical testing. Allele origin: germline. Inheritance: Autosomal dominant inheritance. Affected: yes.

Revvity Omics, Revvity
Classification: Pathogenic. Last evaluated: 2019-06-07. Review status: criteria provided, single submitter. Criteria: ACMG Guidelines, 2015. Collection method: clinical testing. Allele origin: germline.

Center for Molecular Medicine, Children’s Hospital of Fudan University
Classification: Pathogenic for Developmental and epileptic encephalopathy, 7. Last evaluated: 2019-05-10. Review status: criteria provided, single submitter. Criteria: ACMG Guidelines, 2015. Collection method: clinical testing. Allele origin: de novo. Affected: yes.

CeGaT Center for Human Genetics Tuebingen
Classification: Pathogenic. Last evaluated: 2019-03-01. Review status: criteria provided, single submitter. Criteria: CeGaT Center For Human Genetics Tuebingen Variant Classification Criteria Version 2. Collection method: clinical testing. Allele origin: germline. Affected: yes. Observed: 3 variant alleles.

Juno Genomics, Hangzhou Juno Genomics, Inc
Classification: Pathogenic for Seizures, benign familial neonatal, 1; Developmental and epileptic encephalopathy, 7. Review status: criteria provided, single submitter. Criteria: ACMG Guidelines, 2015. Collection method: clinical testing. Allele origin: germline. Affected: yes.
Comment: Absent from controls (or at extremely low frequency if recessive) in Genome Aggregation Database.;Missense variant in a gene that has a low rate of benign missense variation.;The prevalence of the variant in affected individuals is significantly increased compared to the prevalence in controls.;Patient's phenotype or family history is highly specific for a disease with a single genetic etiology.;Assumed de novo, but without confirmation of paternity and maternity.;Co-segregation with disease in multiple affected family members.;Well-established in vitro or in vivo functional studies supportive of a damaging effect on the gene or gene product.

Channelopathy-Associated Epilepsy Research Center
No classification provided (evidence only). Condition: Complex neurodevelopmental disorder. Review status: no classification provided. Collection method: literature only. Allele origin: not applicable. Functional consequence: Mild decrease in peak current, Normal rate of activation, Severe depolarizing shift of voltage dependence of activation. Not counted in ClinVar's aggregate classification.
ClinVar note: "not provided" was previously submitted as the classification for the variant. However, the classification appeared to be based only on an observation of functional data so it was converted to no classification on 2025-07-30.

Channelopathy-Associated Epilepsy Research Center
No classification provided (evidence only). Review status: no classification provided. Collection method: in vitro. Allele origin: not applicable. Functional consequence: Decrease in peak current. Not counted in ClinVar's aggregate classification.

Channelopathy-Associated Epilepsy Research Center
No classification provided (evidence only). Review status: no classification provided. Collection method: in vitro. Allele origin: not applicable. Functional consequence: Decrease in peak current. Not counted in ClinVar's aggregate classification.

Channelopathy-Associated Epilepsy Research Center
No classification provided (evidence only). Review status: no classification provided. Collection method: in vitro. Allele origin: not applicable. Functional consequence: Depolarizing shift of voltage dependence of activation. Not counted in ClinVar's aggregate classification.

Channelopathy-Associated Epilepsy Research Center
No classification provided (evidence only). Review status: no classification provided. Collection method: in vitro. Allele origin: not applicable. Functional consequence: Increase in slope of activation. Not counted in ClinVar's aggregate classification.

Channelopathy-Associated Epilepsy Research Center
No classification provided (evidence only). Review status: no classification provided. Collection method: in vitro. Allele origin: not applicable. Functional consequence: Normal rate of activation. Not counted in ClinVar's aggregate classification.

Diagnostic Laboratory, Department of Genetics, University Medical Center Groningen
Classification: Pathogenic. Review status: no assertion criteria provided. Collection method: clinical testing. Allele origin: germline. Affected: yes. Study: VKGL Data-share Consensus. Not counted in ClinVar's aggregate classification.

GeneReviews
No classification provided. Condition: Seizures, benign familial neonatal, 1. Review status: no classification provided. Collection method: literature only. Allele origin: germline. Affected: yes. Not counted in ClinVar's aggregate classification.
Comment: BFNE (benign familial neonatal epilepsy), Rolandic Seizures, Infantile spams.

Functional effect: Rightward shift in current voltage-dependence; decrease in current activation kinetics; novel prepulse-dependence of current activation kinetics

Genome Diagnostics Laboratory, University Medical Center Utrecht
Classification: Pathogenic. Review status: no assertion criteria provided. Collection method: clinical testing. Allele origin: germline. Affected: yes. Study: VKGL Data-share Consensus. Not counted in ClinVar's aggregate classification.

Literature cited by the submitters: PubMed 32411386 (cited by 3billion); PubMed 17475800 (cited by 3 submitters); PubMed 34489640 (cited by 3billion); PubMed 23360469 (cited by Labcorp Genetics (formerly Invitae), Labcorp and GeneReviews); PubMed 23708187 (cited by Labcorp Genetics (formerly Invitae), Labcorp and GeneReviews); PubMed 35104249 (cited by Channelopathy-Associated Epilepsy Research Center); NCBI Bookshelf NBK32534 (cited by GeneReviews).